The following is an entry in ClinVar:

ClinVar aggregate classification (germline): Uncertain significance (1 of 4 stars; one submission).

Conditions:
Hereditary cancer-predisposing syndrome. Also called: Tumor predisposition; Hereditary neoplastic syndrome; Hereditary Cancer Syndrome; Neoplastic Syndromes, Hereditary. Identifiers: Orphanet 140162, MedGen C0027672, MeSH D009386, MONDO:0015356.

Submission:

Color Diagnostics, LLC DBA Color Health
Classification: Uncertain significance for Hereditary cancer-predisposing syndrome. Last evaluated: 2021-08-09. Review status: criteria provided, single submitter. Criteria: ACMG Guidelines, 2015. Collection method: clinical testing. Allele origin: germline.
Comment: This missense variant replaces glutamine with lysine at codon 206 of the BRCA1 protein. Computational prediction is inconclusive regarding the impact of this variant on protein structure and function (internally defined REVEL score threshold 0.5 < inconclusive < 0.7, PMID: 27666373). To our knowledge, functional studies have not been reported for this variant. This variant has not been reported in individuals affected with hereditary cancer in the literature. This variant has not been identified in the general population by the Genome Aggregation Database (gnomAD). The available evidence is insufficient to determine the role of this variant in disease conclusively. Therefore, this variant is classified as a Variant of Uncertain Significance.

NM_007294.4(BRCA1):c.616C>A (p.Gln206Lys)

Gene: BRCA1 (BRCA1 DNA repair associated; minus strand). Cytogenetic location: 17q21.31.
Variant type: single nucleotide variant.
Coding change: c.616C>A on transcript NM_007294.4 (MANE Select); coding-DNA position 616, C replaced by A.
Protein change: p.Gln206Lys; replaces glutamine 206 with lysine.
Molecular consequence: missense variant. On other transcripts: non-coding transcript variant (1).
Genome position (GRCh38, 1-based): chr17:43,095,900, G>T on the plus strand (C>A on the coding strand, the complement: BRCA1 is on the minus strand). VCF-style: chr17-43095900-G-T. GRCh37 (hg19) VCF-style: chr17-41247917-G-T.
Other names: c.475C>A, p.Gln159Lys (NM_001407724.1, NM_001407725.1, NM_001407726.1 and 43 more transcripts); c.472C>A, p.Gln158Lys (NM_001407741.1, NM_001407740.1, NM_001407742.1 and 26 more transcripts); c.403C>A, p.Gln135Lys (NM_001407571.1, NM_001407853.1, NM_001407894.1 and 12 more transcripts); c.616C>A, p.Gln206Lys (NM_001407581.1, NM_001407582.1, NM_001407583.1 and 59 more transcripts); c.613C>A, p.Gln205Lys (NM_001407587.1, NM_001407590.1, NM_001407591.1 and 41 more transcripts); c.607C>A, p.Gln203Lys (NM_001407646.1, NM_001407647.1, NM_001408408.1); c.538C>A, p.Gln180Lys (NM_001407653.1, NM_001407654.1, NM_001407655.1 and 9 more transcripts); c.535C>A, p.Gln179Lys (NM_001407659.1, NM_001407660.1, NM_001407661.1 and 3 more transcripts); and 4 more; short protein forms Q159K, Q206K, Q136K, Q179K, Q158K, Q78K, Q161K, Q180K.
Identifiers: ClinVar variation 1172402 (VCV001172402.4), dbSNP rs397509301, ClinGen allele CA10600872.